The following is an entry in ClinVar:

ClinVar aggregate classification (germline): Conflicting classifications of pathogenicity. Review status: criteria provided, conflicting classifications (1 of 4 stars). 5 submissions from 5 submitters: Pathogenic (2); Uncertain significance (3). Last evaluated 2026-06-12.

Conditions:
Maple syrup urine disease type 1B (MSUD1B). Also called: MSUD type IB; MSUD type 3 (formerly); MSUD due to deficiency of e1-beta subunit of branched-chain alpha-keto acid dehydrogenase complex. Identifiers: MedGen C2930990, MONDO:0023692, OMIM 620698.
Maple syrup urine disease (MSUD). Identifiers: Orphanet 511, MedGen C0024776, MeSH D008375, MONDO:0009563. Disease mechanism: loss of function.

Allele frequency attached by ClinVar (database versions not stated): TOPMed below 0.00001; ExAC 0.00002; gnomAD exomes 0.00002 and 0.00001.
gnomAD v4.1: 4 of 1,614,000 alleles (0.00025%); highest among the groups gnomAD compares: Admixed American, 0.0067%; no homozygotes.

Submissions (5):

Myriad Genetics, Inc.
Classification: Uncertain significance for Maple syrup urine disease type 1B. Last evaluated: 2026-06-12. Review status: criteria provided, single submitter. Criteria: Myriad Autosomal Dominant, Autosomal Recessive and X-Linked Classification Criteria (2023). Collection method: clinical testing. Allele origin: unknown.
Comment: NM_183050.2(BCKDHB):c.1087T>A(Y363N) is a missense variant classified as a variant of uncertain significance in the context of maple syrup urine disease type Ib. Y363N has been observed in cases with relevant disease (PMID: 39519275). Relevant functional assessments of this variant are not available in the literature. Y363N has been observed in referenced population frequency databases. In summary, there is insufficient evidence to classify NM_183050.2(BCKDHB):c.1087T>A(Y363N) as pathogenic or benign. Please note: this variant was assessed in the context of healthy population screening.

Labcorp Genetics (formerly Invitae), Labcorp
Classification: Pathogenic for Maple syrup urine disease. Last evaluated: 2025-09-16. Review status: criteria provided, single submitter. Criteria: Invitae Variant Classification Sherloc (09022015). Collection method: clinical testing. Allele origin: germline.
Comment: This sequence change replaces tyrosine, which is neutral and polar, with asparagine, which is neutral and polar, at codon 363 of the BCKDHB protein (p.Tyr363Asn). This variant is present in population databases (rs398124565, gnomAD 0.009%). This missense change has been observed in individual(s) with maple syrup urine disease (internal data). ClinVar contains an entry for this variant (Variation ID: 96568). Invitae Evidence Modeling of protein sequence and biophysical properties (such as structural, functional, and spatial information, amino acid conservation, physicochemical variation, residue mobility, and thermodynamic stability) indicates that this missense variant is not expected to disrupt BCKDHB protein function with a negative predictive value of 80%. For these reasons, this variant has been classified as Pathogenic.

Women's Health and Genetics/Laboratory Corporation of America, LabCorp
Classification: Pathogenic for Maple syrup urine disease. Last evaluated: 2025-06-12. Review status: criteria provided, single submitter. Criteria: LabCorp Variant Classification Summary - May 2015. Collection method: clinical testing. Allele origin: germline.
Comment: Variant summary: BCKDHB c.1087T>A (p.Tyr363Asn) results in a non-conservative amino acid change located in the Transketolase, C-terminal domain (IPR033248) of the encoded protein sequence. Algorithms developed to predict the effect of missense changes on protein structure and function all suggest that this variant is likely to be disruptive. The variant allele was found at a frequency of 1.6e-05 in 251334 control chromosomes. c.1087T>A has been observed in multiple homozygous individuals and at-least one compound heterozygous individual affected with Maple Syrup Urine Disease (example: Vela-Amieva_2024, internal data), as well as an individual affected with an unspecified inborn error of metabolism without reported genotype (example: Adhikari_2020). These data indicate that the variant is associated with disease. To our knowledge, no experimental evidence demonstrating an impact on protein function has been reported. The following publications have been ascertained in the context of this evaluation (PMID: 32778825, 39519275). ClinVar contains an entry for this variant (Variation ID: 96568). Based on the evidence outlined above, the variant was classified as pathogenic.

Genome-Nilou Lab
Classification: Uncertain significance for Maple syrup urine disease type 1A. Last evaluated: 2021-11-07. Review status: criteria provided, single submitter. Criteria: ACMG Guidelines, 2015. Collection method: clinical testing. Allele origin: germline. Affected: no.

Eurofins Ntd Llc (ga)
Classification: Uncertain significance. Last evaluated: 2013-09-04. Review status: criteria provided, single submitter. Criteria: EGL Classification Definitions 2015. Collection method: clinical testing. Allele origin: germline. Observed: 2 variant alleles, 1 heterozygote, 1 homozygote.

Literature cited by the submitters: PubMed 39519275 (cited by Myriad Genetics, Inc. and Women's Health and Genetics/Laboratory Corporation of America, LabCorp); PubMed 32778825 (cited by Women's Health and Genetics/Laboratory Corporation of America, LabCorp).

NM_183050.4(BCKDHB):c.1087T>A (p.Tyr363Asn)

Gene: BCKDHB (branched chain keto acid dehydrogenase E1 subunit beta; plus strand). Cytogenetic location: 6q14.1.
Variant type: single nucleotide variant.
Coding change: c.1087T>A on transcript NM_183050.4 (MANE Select); coding-DNA position 1087, T replaced by A.
Protein change: p.Tyr363Asn; replaces tyrosine 363 with asparagine.
Molecular consequence: missense variant. On other transcripts: non-coding transcript variant (1).
Genome position (GRCh38, 1-based): chr6:80,343,712, T>A. VCF-style: chr6-80343712-T-A. GRCh37 (hg19) VCF-style: chr6-81053429-T-A.
Other names: c.1087T>A, p.Tyr363Asn (NM_000056.5); c.877T>A, p.Tyr293Asn (NM_001318975.1); short protein forms Y363N, Y293N.
Identifiers: ClinVar variation 96568 (VCV000096568.20), dbSNP rs398124565, ClinGen allele CA224250.